The following is an entry in ClinVar:

NM_000059.4(BRCA2):c.5864C>T (p.Ser1955Leu)

Gene: BRCA2 (BRCA2 DNA repair associated; plus strand). Cytogenetic location: 13q13.1.
Variant type: single nucleotide variant.
Coding change: c.5864C>T on transcript NM_000059.4 (MANE Select); coding-DNA position 5864, C replaced by T.
Protein change: p.Ser1955Leu; replaces serine 1955 with leucine.
Molecular consequence: missense variant.
Genome position (GRCh38, 1-based): chr13:32,340,219, C>T. VCF-style: chr13-32340219-C-T. GRCh37 (hg19) VCF-style: chr13-32914356-C-T.
Other names: short protein forms S1955L.
Identifiers: ClinVar variation 409542 (VCV000409542.14), dbSNP rs80358815, ClinGen allele CA16614179.

ClinVar aggregate classification (germline): Conflicting classifications of pathogenicity. Review status: criteria provided, conflicting classifications (1 of 4 stars). 4 submissions from 4 submitters: Uncertain significance (2); Likely benign (2). Last evaluated 2024-03-11.

Conditions:
Hereditary cancer-predisposing syndrome. Also called: Tumor predisposition; Hereditary Cancer Syndrome; Hereditary neoplastic syndrome; Neoplastic Syndromes, Hereditary. Identifiers: Orphanet 140162, MedGen C0027672, MeSH D009386, MONDO:0015356.
Hereditary breast ovarian cancer syndrome. Also called: Hereditary breast and ovarian cancer; Hereditary breast and/or ovarian cancer syndrome; BRCA1- and BRCA2-Associated Hereditary Breast and Ovarian Cancer; Hereditary breast and ovarian cancer syndrome; Hereditary breast and ovarian cancer syndrome (HBOC); Breast and ovarian cancer. Identifiers: Orphanet 145, MedGen C0677776, MeSH D061325, MONDO:0003582. Disease mechanism: loss of function.

gnomAD v4.1: 1 of 1,613,908 alleles (0.000062%); highest among the groups gnomAD compares: African/African-American, 0.0013%; no homozygotes.

Submissions (4):

Ambry Genetics
Classification: Likely benign for Hereditary cancer-predisposing syndrome. Last evaluated: 2024-03-11. Review status: criteria provided, single submitter. Criteria: Ambry Variant Classification Scheme 2023. Collection method: clinical testing. Allele origin: germline.

University of Washington Department of Laboratory Medicine, University of Washington
Classification: Likely benign for Hereditary cancer-predisposing syndrome. Last evaluated: 2023-03-23. Review status: criteria provided, single submitter. Criteria: Dines et al. (Genet Med. 2020). Collection method: curation. Allele origin: germline.
Comment: Missense variant in a coldspot region where missense variants are very unlikely to be pathogenic (PMID:31911673).

BRCA2 exon 11 coldspot. Reclassification based on statistical prior probability.

Color Diagnostics, LLC DBA Color Health
Classification: Uncertain significance for Hereditary cancer-predisposing syndrome. Last evaluated: 2019-05-30. Review status: criteria provided, single submitter. Criteria: ACMG Guidelines, 2015. Collection method: clinical testing. Allele origin: germline.

Labcorp Genetics (formerly Invitae), Labcorp
Classification: Uncertain significance for Hereditary breast ovarian cancer syndrome. Last evaluated: 2016-07-03. Review status: criteria provided, single submitter. Criteria: Invitae Variant Classification Sherloc (09022015). Collection method: clinical testing. Allele origin: germline.
Comment: Algorithms developed to predict the effect of missense changes on protein structure and function (SIFT, PolyPhen-2, Align-GVGD) all suggest that this variant is likely to be tolerated, but these predictions have not been confirmed by published functional studies. This variant is not present in population databases (ExAC no frequency) and has not been reported in the literature in individuals with a BRCA2-related disease. In summary, this variant is a novel missense change that is not predicted to affect protein function. There is no indication that it causes disease, but the available evidence is currently insufficient to prove that conclusively. Therefore, it has been classified as a Variant of Uncertain Significance. This sequence change replaces serine with leucine at codon 1955 of the BRCA2 protein (p.Ser1955Leu). The serine residue is weakly conserved and there is a large physicochemical difference between serine and leucine.